The following is an entry in ClinVar:

NM_001457.4(FLNB):c.241T>C (p.Ser81Pro)

Gene: FLNB (filamin B; plus strand). Cytogenetic location: 3p14.3.
Variant type: single nucleotide variant.
Coding change: c.241T>C on transcript NM_001457.4 (MANE Select); coding-DNA position 241, T replaced by C.
Protein change: p.Ser81Pro; replaces serine 81 with proline.
Molecular consequence: missense variant.
Genome position (GRCh38, 1-based): chr3:58,008,805, T>C. VCF-style: chr3-58008805-T-C. GRCh37 (hg19) VCF-style: chr3-57994532-T-C.
Other names: c.241T>C, p.Ser81Pro (NM_001164317.2, NM_001164318.2, NM_001164319.2); short protein forms S81P.
Identifiers: ClinVar variation 4801679 (VCV004801679.1).

ClinVar aggregate classification (germline): Uncertain significance (1 of 4 stars; one submission).

Submission:

Labcorp Genetics (formerly Invitae), Labcorp
Classification: Uncertain significance. Last evaluated: 2025-11-11. Review status: criteria provided, single submitter. Criteria: Invitae Variant Classification Sherloc (09022015). Collection method: clinical testing. Allele origin: germline.
Comment: This sequence change replaces serine, which is neutral and polar, with proline, which is neutral and non-polar, at codon 81 of the FLNB protein (p.Ser81Pro). This variant is not present in population databases (gnomAD no frequency). This variant has not been reported in the literature in individuals affected with FLNB-related conditions. Invitae Evidence Modeling of protein sequence and biophysical properties (such as structural, functional, and spatial information, amino acid conservation, physicochemical variation, residue mobility, and thermodynamic stability) has been performed for this missense variant. However, the output from this modeling did not meet the statistical confidence thresholds required to predict the impact of this variant on FLNB protein function. In summary, the available evidence is currently insufficient to determine the role of this variant in disease. Therefore, it has been classified as a Variant of Uncertain Significance.